The following is an entry in ClinVar:

ClinVar aggregate classification (germline): Uncertain significance (1 of 4 stars; one submission).

Conditions:
Early-infantile DEE. Also called: Early infantile epileptic encephalopathy; Ohtahara syndrome; Early infantile epileptic encephalopathy with suppression bursts. Identifiers: Orphanet 1934, MedGen C0393706, MONDO:0800491.

Allele frequency attached by ClinVar (database versions not stated): gnomAD exomes below 0.00001; TOPMed below 0.00001.
gnomAD v4.1: 1 of 1,614,170 alleles (0.000062%); highest among the groups gnomAD compares: Admixed American, 0.0017%; no homozygotes.

Submission:

Labcorp Genetics (formerly Invitae), Labcorp
Classification: Uncertain significance for Early-infantile DEE. Last evaluated: 2022-11-03. Review status: criteria provided, single submitter. Criteria: Invitae Variant Classification Sherloc (09022015). Collection method: clinical testing. Allele origin: germline.
Comment: This variant is present in population databases (no rsID available, gnomAD 0.003%). In summary, the available evidence is currently insufficient to determine the role of this variant in disease. Therefore, it has been classified as a Variant of Uncertain Significance. Advanced modeling of protein sequence and biophysical properties (such as structural, functional, and spatial information, amino acid conservation, physicochemical variation, residue mobility, and thermodynamic stability) performed at Invitae indicates that this missense variant is not expected to disrupt KCNH5 protein function. This variant has not been reported in the literature in individuals affected with KCNH5-related conditions. This sequence change replaces aspartic acid, which is acidic and polar, with asparagine, which is neutral and polar, at codon 893 of the KCNH5 protein (p.Asp893Asn).

NM_139318.5(KCNH5):c.2677G>A (p.Asp893Asn)

Gene: KCNH5 (potassium voltage-gated channel subfamily H member 5; minus strand). Cytogenetic location: 14q23.2.
Variant type: single nucleotide variant.
Coding change: c.2677G>A on transcript NM_139318.5 (MANE Select); coding-DNA position 2677, G replaced by A.
Protein change: p.Asp893Asn; replaces aspartic acid 893 with asparagine.
Molecular consequence: missense variant. On other transcripts: 3 prime UTR variant (1).
Genome position (GRCh38, 1-based): chr14:62,707,798, C>T on the plus strand (G>A on the coding strand, the complement: KCNH5 is on the minus strand). VCF-style: chr14-62707798-C-T. GRCh37 (hg19) VCF-style: chr14-63174516-C-T.
Other names: c.*644G>A (NM_172375.3); short protein forms D893N.
Identifiers: ClinVar variation 2134510 (VCV002134510.4), dbSNP rs1325635807, ClinGen allele CA390100076.